The following is an entry in ClinVar:

NM_000533.5(PLP1):c.517C>A (p.Pro173Thr)

Genes: RAB9B (RAB9B, member RAS oncogene family; minus strand), PLP1 (proteolipid protein 1; plus strand). Cytogenetic location: Xq22.2.
Variant type: single nucleotide variant.
Coding change: c.517C>A on transcript NM_000533.5 (MANE Select); coding-DNA position 517, C replaced by A.
Protein change: p.Pro173Thr; replaces proline 173 with threonine.
Molecular consequence: missense variant.
Genome position (GRCh38, 1-based): chrX:103,787,861, C>A. VCF-style: chrX-103787861-C-A. GRCh37 (hg19) VCF-style: chrX-103042790-C-A.
Other names: c.517C>A, p.Pro173Thr (NM_001128834.3); c.352C>A, p.Pro118Thr (NM_001305004.1); c.412C>A, p.Pro138Thr (NM_199478.3); short protein forms P118T, P138T, P173T.
Identifiers: ClinVar variation 3033192 (VCV003033192.2), dbSNP rs2522314448, ClinGen allele CA414103764.
Genomic context (GRCh38, chrX:103,787,861, plus strand): 5'-GTGGGCATCACCTATGCCCTGACCGTTGTGTGGCTCCTGGTGTTTGCCTGCTCTGCTGTG[C>A]CTGTGTACATTTACTTCAACACCTGGACCACCTGCCAGTCTATTGCCTTCCCCAGCAAGA-3'
Protein context (NP_000524.3, residues 163-183): WLLVFACSAV[Pro173Thr]VYIYFNTWTT

ClinVar aggregate classification (germline): Uncertain significance (0 of 4 stars; one submission).

Conditions:
PLP1-related disorder. Also called: PLP1-Related Disorders; PLP1-related condition. Identifiers: MedGen CN378767.

Submission:

PreventionGenetics, part of Exact Sciences
Classification: Uncertain significance for PLP1-related condition. Last evaluated: 2023-12-28. Review status: no assertion criteria provided. Collection method: clinical testing. Allele origin: germline.
Comment: The PLP1 c.517C>A variant is predicted to result in the amino acid substitution p.Pro173Thr. To our knowledge, this variant has not been reported in the literature or in a large population database, indicating this variant is rare. Of note, a different substitution at the same codon, defined as c.517C>T (p.Pro173Ser), has been reported in individuals with Pelizaeus-Merzbacher disease; and the functional studies by Xie et al. suggested that this variant resulted in protein accumulation in endoplasmic reticulum (ER) (Hubner et al. 2005. PubMed ID: 15712223; Duan et al. 2022. PubMed ID: 35346287; Xie et al. 2015. PubMed ID: 25491635). At this time, the clinical significance of the p.Pro173Thr variant is uncertain due to the absence of conclusive functional and genetic evidence.